The following is an entry in ClinVar:

NM_000548.5(TSC2):c.647A>T (p.Glu216Val)

Gene: TSC2 (TSC complex subunit 2; plus strand). Cytogenetic location: 16p13.3.
Variant type: single nucleotide variant.
Coding change: c.647A>T on transcript NM_000548.5 (MANE Select); coding-DNA position 647, A replaced by T.
Protein change: p.Glu216Val; replaces glutamic acid 216 with valine.
Molecular consequence: missense variant. On other transcripts: 5 prime UTR variant (10), non-coding transcript variant (5).
Genome position (GRCh38, 1-based): chr16:2,056,243, A>T. VCF-style: chr16-2056243-A-T. GRCh37 (hg19) VCF-style: chr16-2106244-A-T.
Other names: c.500A>T, p.Glu167Val (NM_001406679.1, NM_001406675.1, NM_001406676.1 and 1 more transcripts); c.47A>T, p.Glu16Val (NM_001406680.1, NM_001406682.1, NM_001406683.1 and 6 more transcripts); c.185A>T, p.Glu62Val (NM_001406681.1); c.-785A>T (NM_001406689.1, NM_001406690.1, NM_001406691.1 and 3 more transcripts); c.-666A>T (NM_001406694.1, NM_001406695.1); c.-773A>T (NM_001406696.1); c.-961A>T (NM_001406698.1); c.647A>T, p.Glu216Val (NM_021055.3, NM_001406665.1, NM_001406671.1 and 8 more transcripts); and 4 more; short protein forms E16V, E62V, E246V, E167V, E179V, E197V, E216V, E227V.
Identifiers: ClinVar variation 3651309 (VCV003651309.2).
Genomic context (GRCh38, chr16:2,056,243, plus strand): 5'-GTGCTCCCTGCAGGATGATCTGTCTGCTGTGCGTCCGGACCGCGTCCTCTGTGGACATAG[A>T]GGTCAGTGCCTCCCCTCCCCAGGGCCGGCCCATTTCACCCTGGTTTCTGGGAGGCTGGGG-3'
Protein context (NP_000539.2, residues 206-226): CVRTASSVDI[Glu216Val]VSLQVLDAVV

ClinVar aggregate classification (germline): Uncertain significance (1 of 4 stars; one submission).

Conditions:
Tuberous sclerosis 2 (TSC2). Identifiers: Orphanet 805, MedGen C1860707, MONDO:0013199, OMIM 613254.

Submission:

Labcorp Genetics (formerly Invitae), Labcorp
Classification: Uncertain significance for Tuberous sclerosis 2. Last evaluated: 2024-04-27. Review status: criteria provided, single submitter. Criteria: Invitae Variant Classification Sherloc (09022015). Collection method: clinical testing. Allele origin: germline.
Comment: This sequence change replaces glutamic acid, which is acidic and polar, with valine, which is neutral and non-polar, at codon 216 of the TSC2 protein (p.Glu216Val). This variant is not present in population databases (gnomAD no frequency). This variant has not been reported in the literature in individuals affected with TSC2-related conditions. An algorithm developed to predict the effect of missense changes on protein structure and function (PolyPhen-2) suggests that this variant is likely to be disruptive. Algorithms developed to predict the effect of sequence changes on RNA splicing suggest that this variant may disrupt the consensus splice site. In summary, the available evidence is currently insufficient to determine the role of this variant in disease. Therefore, it has been classified as a Variant of Uncertain Significance.